The following is an entry in ClinVar:

ClinVar aggregate classification (germline): Uncertain significance. Review status: criteria provided, multiple submitters, no conflicts (2 of 4 stars). 5 submissions from 5 submitters: Uncertain significance (5). Last evaluated 2025-08-26.

Conditions:
Familial thoracic aortic aneurysm and aortic dissection (TAAD). Also called: Thoracic aortic aneurysms and dissections. Identifiers: Orphanet 91387, MedGen C4707243, MONDO:0019625.
Arterial tortuosity syndrome (ATORS). Identifiers: Orphanet 3342, MedGen C1859726, MONDO:0008818, OMIM 208050.

Allele frequency attached by ClinVar (database versions not stated): ExAC 0.00001; gnomAD 0.00001; TOPMed 0.00002; gnomAD exomes 0.00003.

Submissions (6):

Ambry Genetics
Classification: Uncertain significance for Familial thoracic aortic aneurysm and aortic dissection. Last evaluated: 2025-08-26. Review status: criteria provided, single submitter. Criteria: Ambry Variant Classification Scheme 2023. Collection method: clinical testing. Allele origin: germline.
Comment: The p.V123M variant (also known as c.367G>A), located in coding exon 2 of the SLC2A10 gene, results from a G to A substitution at nucleotide position 367. The valine at codon 123 is replaced by methionine, an amino acid with highly similar properties. This amino acid position is not well conserved in available vertebrate species. In addition, this alteration is predicted to be tolerated by in silico analysis. Based on the available evidence, the clinical significance of this variant remains unclear.

Labcorp Genetics (formerly Invitae), Labcorp
Classification: Uncertain significance for Arterial tortuosity syndrome. Last evaluated: 2024-05-01. Review status: criteria provided, single submitter. Criteria: Invitae Variant Classification Sherloc (09022015). Collection method: clinical testing. Allele origin: germline.
Comment: This sequence change replaces valine, which is neutral and non-polar, with methionine, which is neutral and non-polar, at codon 123 of the SLC2A10 protein (p.Val123Met). This variant is present in population databases (rs770619266, gnomAD 0.009%). This variant has not been reported in the literature in individuals affected with SLC2A10-related conditions. ClinVar contains an entry for this variant (Variation ID: 264583). Advanced modeling of protein sequence and biophysical properties (such as structural, functional, and spatial information, amino acid conservation, physicochemical variation, residue mobility, and thermodynamic stability) performed at Invitae indicates that this missense variant is not expected to disrupt SLC2A10 protein function with a negative predictive value of 95%. In summary, the available evidence is currently insufficient to determine the role of this variant in disease. Therefore, it has been classified as a Variant of Uncertain Significance.

Blueprint Genetics
Classification: Uncertain significance. Last evaluated: 2023-09-28. Review status: criteria provided, single submitter. Criteria: ACMG Guidelines, 2015. Collection method: clinical testing. Allele origin: germline.

CeGaT Center for Human Genetics Tuebingen
Classification: Uncertain significance. Last evaluated: 2022-03-01. Review status: criteria provided, single submitter. Criteria: CeGaT Center For Human Genetics Tuebingen Variant Classification Criteria Version 2. Collection method: clinical testing. Allele origin: germline. Affected: yes. Observed: 1 variant allele.

Breakthrough Genomics
Classification: Uncertain significance. Review status: criteria provided, single submitter. Criteria: ACMG Guidelines, 2015. Collection method: not provided. Allele origin: germline. Inheritance: Autosomal dominant inheritance. Affected: yes.

Dr. Peter K. Rogan Lab, Western University
No classification provided (evidence only). Condition: Nonpapillary renal cell carcinoma. Review status: no classification provided. Collection method: in vitro. Allele origin: not applicable. Functional consequence: retained intron. Not counted in ClinVar's aggregate classification.

Literature cited by the submitters: PubMed 19028722 (cited by Ambry Genetics).

NM_030777.4(SLC2A10):c.367G>A (p.Val123Met)

Gene: SLC2A10 (solute carrier family 2 member 10; plus strand). Cytogenetic location: 20q13.12.
Variant type: single nucleotide variant.
Coding change: c.367G>A on transcript NM_030777.4 (MANE Select); coding-DNA position 367, G replaced by A.
Protein change: p.Val123Met; replaces valine 123 with methionine.
Molecular consequence: missense variant.
Genome position (GRCh38, 1-based): chr20:46,725,403, G>A. VCF-style: chr20-46725403-G-A. GRCh37 (hg19) VCF-style: chr20-45354042-G-A.
Other names: short protein forms V123M.
Identifiers: ClinVar variation 264583 (VCV000264583.46), dbSNP rs770619266, ClinGen allele CA9891961.